The following is an entry in ClinVar:

NM_000057.4(BLM):c.157T>C (p.Ser53Pro)

Gene: BLM (BLM RecQ like helicase; plus strand). Cytogenetic location: 15q26.1.
Variant type: single nucleotide variant.
Coding change: c.157T>C on transcript NM_000057.4 (MANE Select); coding-DNA position 157, T replaced by C.
Protein change: p.Ser53Pro; replaces serine 53 with proline.
Molecular consequence: missense variant. On other transcripts: 5 prime UTR variant (1).
Genome position (GRCh38, 1-based): chr15:90,749,425, T>C. VCF-style: chr15-90749425-T-C. GRCh37 (hg19) VCF-style: chr15-91292655-T-C.
Other names: c.157T>C, p.Ser53Pro (NM_001287246.2, NM_001287247.2); c.-1135T>C (NM_001287248.2); short protein forms S53P.
Identifiers: ClinVar variation 1775673 (VCV001775673.2), dbSNP rs1555418248, ClinGen allele CA393839505.
Genomic context (GRCh38, chr15:90,749,425, plus strand): 5'-AGAGGTTTCACTTTTAAAAAGAAAACATCTTCAGATAACAATGTATCTGTAACTAATGTG[T>C]CAGTAGCAAAAACACCTGTATTAAGAAATAAAGATGTTAATGTTACCGAAGACTTTTCCT-3'
Protein context (NP_000048.1, residues 43-63): SDNNVSVTNV[Ser53Pro]VAKTPVLRNK

ClinVar aggregate classification (germline): Uncertain significance (1 of 4 stars; one submission).

Conditions:
Hereditary cancer-predisposing syndrome. Also called: Neoplastic Syndromes, Hereditary; Tumor predisposition; Hereditary Cancer Syndrome; Hereditary neoplastic syndrome. Identifiers: Orphanet 140162, MedGen C0027672, MeSH D009386, MONDO:0015356.

Submission:

Ambry Genetics
Classification: Uncertain significance for Hereditary cancer-predisposing syndrome. Last evaluated: 2022-06-21. Review status: criteria provided, single submitter. Criteria: Ambry Variant Classification Scheme 2023. Collection method: clinical testing. Allele origin: germline.
Comment: The p.S53P variant (also known as c.157T>C), located in coding exon 2 of the BLM gene, results from a T to C substitution at nucleotide position 157. The serine at codon 53 is replaced by proline, an amino acid with similar properties. This amino acid position is conserved. In addition, this alteration is predicted to be tolerated by in silico analysis. Since supporting evidence is limited at this time, the clinical significance of this alteration remains unclear.